The following is an entry in ClinVar:

ClinVar aggregate classification (germline): Conflicting classifications of pathogenicity. Review status: criteria provided, conflicting classifications (1 of 4 stars). 2 submissions from 2 submitters: Uncertain significance (1); Likely benign (1). Last evaluated 2022-09-05.

Conditions:
Inborn genetic diseases. Identifiers: MedGen C0950123, MeSH D030342.

Allele frequency attached by ClinVar (database versions not stated): gnomAD 0.00006; 1000 Genomes Project 30x 0.00016; 1000 Genomes Project 0.00020.
gnomAD v4.1: 20 of 1,614,114 alleles (0.0012%); highest among the groups gnomAD compares: African/African-American, 0.019%; no homozygotes.

Submissions (2):

Labcorp Genetics (formerly Invitae), Labcorp
Classification: Uncertain significance. Last evaluated: 2022-09-05. Review status: criteria provided, single submitter. Criteria: Invitae Variant Classification Sherloc (09022015). Collection method: clinical testing. Allele origin: germline.
Comment: ClinVar contains an entry for this variant (Variation ID: 1414960). Algorithms developed to predict the effect of missense changes on protein structure and function output the following: SIFT: "Tolerated"; PolyPhen-2: "Benign"; Align-GVGD: "Class C0". The threonine amino acid residue is found in multiple mammalian species, which suggests that this missense change does not adversely affect protein function. In summary, the available evidence is currently insufficient to determine the role of this variant in disease. Therefore, it has been classified as a Variant of Uncertain Significance. This variant has not been reported in the literature in individuals affected with TRPM1-related conditions. This sequence change replaces alanine, which is neutral and non-polar, with threonine, which is neutral and polar, at codon 1349 of the TRPM1 protein (p.Ala1349Thr). This variant is present in population databases (rs117777759, gnomAD 0.02%).

Ambry Genetics
Classification: Likely benign for Inborn genetic diseases. Last evaluated: 2021-11-29. Review status: criteria provided, single submitter. Criteria: Ambry Variant Classification Scheme 2023. Collection method: clinical testing. Allele origin: germline.

NM_001252024.2(TRPM1):c.4111G>A (p.Ala1371Thr)

Gene: TRPM1 (transient receptor potential cation channel subfamily M member 1; minus strand). Cytogenetic location: 15q13.3.
Variant type: single nucleotide variant.
Coding change: c.4111G>A on transcript NM_001252024.2 (MANE Select); coding-DNA position 4111, G replaced by A.
Protein change: p.Ala1371Thr; replaces alanine 1371 with threonine.
Molecular consequence: missense variant.
Genome position (GRCh38, 1-based): chr15:31,002,589, C>T on the plus strand (G>A on the coding strand, the complement: TRPM1 is on the minus strand). VCF-style: chr15-31002589-C-T. GRCh37 (hg19) VCF-style: chr15-31294792-C-T.
Other names: c.4162G>A, p.Ala1388Thr (NM_001252020.2); c.4045G>A, p.Ala1349Thr (NM_002420.6); c.4045G>A (NM_002420.4); short protein forms A1349T, A1371T, A1388T.
Identifiers: ClinVar variation 1414960 (VCV001414960.7), dbSNP rs117777759, ClinGen allele CA7451695.